The following is an entry in ClinVar:

NM_052844.4(DYNC2I2):c.273C>A (p.Ala91=)

Gene: DYNC2I2 (dynein 2 intermediate chain 2; minus strand). Cytogenetic location: 9q34.11.
Variant type: single nucleotide variant.
Coding change: c.273C>A on transcript NM_052844.4 (MANE Select); coding-DNA position 273, C replaced by A.
Protein change: p.Ala91=; no amino-acid change (alanine 91 retained).
Molecular consequence: synonymous variant.
Genome position (GRCh38, 1-based): chr9:128,640,853, G>T on the plus strand (C>A on the coding strand, the complement: DYNC2I2 is on the minus strand). VCF-style: chr9-128640853-G-T. GRCh37 (hg19) VCF-style: chr9-131403132-G-T.
Identifiers: ClinVar variation 4982777 (VCV004982777.1).

ClinVar aggregate classification (germline): Likely benign (1 of 4 stars; one submission).

Conditions:
DYNC2I2-related disorder. Also called: DYNC2I2-related condition.

Submission:

PreventionGenetics, part of Exact Sciences
Classification: Likely benign for DYNC2I2-related condition. Last evaluated: 2024-10-03. Review status: criteria provided, single submitter. Criteria: ACMG Guidelines, 2015. Collection method: clinical testing. Allele origin: germline.
Comment: This variant is classified as likely benign based on ACMG/AMP sequence variant interpretation guidelines (Richards et al. 2015 PMID: 25741868, with internal and published modifications).